The following is an entry in ClinVar:

ClinVar aggregate classification (germline): Uncertain significance (1 of 4 stars; one submission).

Submission:

GeneDx
Classification: Uncertain significance. Last evaluated: 2025-10-02. Review status: criteria provided, single submitter. Criteria: GeneDx Variant Classification Process June 2021. Collection method: clinical testing. Allele origin: germline.
Comment: Not observed at significant frequency in large population cohorts (gnomAD); In silico analysis supports that this missense variant has a deleterious effect on protein structure/function; Has not been previously published as pathogenic or benign to our knowledge; This substitution is predicted to be in the cytoplasmic loop between the third and fourth homologous domains

NM_001165963.4(SCN1A):c.4612G>C (p.Val1538Leu)

Genes: SCN1A (sodium voltage-gated channel alpha subunit 1; minus strand), LOC102724058 (uncharacterized LOC102724058; plus strand). Cytogenetic location: 2q24.3.
Variant type: single nucleotide variant.
Coding change: c.4612G>C on transcript NM_001165963.4 (MANE Select); coding-DNA position 4612, G replaced by C.
Protein change: p.Val1538Leu; replaces valine 1538 with leucine.
Molecular consequence: missense variant. On other transcripts: non-coding transcript variant (1).
Genome position (GRCh38, 1-based): chr2:165,994,386, C>G on the plus strand (G>C on the coding strand, the complement: SCN1A is on the minus strand). VCF-style: chr2-165994386-C-G. GRCh37 (hg19) VCF-style: chr2-166850896-C-G.
Other names: c.4528G>C, p.Val1510Leu (NM_001165964.3, NM_001353957.2, NM_001353958.2); c.4612G>C, p.Val1538Leu (NM_001202435.3, NM_001353948.2); c.4579G>C, p.Val1527Leu (NM_001353949.2, NM_001353950.2, NM_001353951.2 and 2 more transcripts); c.4576G>C, p.Val1526Leu (NM_001353954.2, NM_001353955.2); c.4525G>C, p.Val1509Leu (NM_001353960.2); c.2170G>C, p.Val724Leu (NM_001353961.2); short protein forms V1509L, V1510L, V1526L, V1527L, V1538L, V724L.
Identifiers: ClinVar variation 3360724 (VCV003360724.2).